The following is an entry in ClinVar:

NM_005094.4(SLC27A4):c.356A>T (p.Gln119Leu)

Gene: SLC27A4 (solute carrier family 27 member 4; plus strand). Cytogenetic location: 9q34.11.
Variant type: single nucleotide variant.
Coding change: c.356A>T on transcript NM_005094.4 (MANE Select); coding-DNA position 356, A replaced by T.
Protein change: p.Gln119Leu; replaces glutamine 119 with leucine.
Molecular consequence: missense variant.
Genome position (GRCh38, 1-based): chr9:128,345,349, A>T. VCF-style: chr9-128345349-A-T. GRCh37 (hg19) VCF-style: chr9-131107628-A-T.
Other names: short protein forms Q119L.
Identifiers: ClinVar variation 1919132 (VCV001919132.2), dbSNP rs146902785, ClinGen allele CA5260914.
Genomic context (GRCh38, chr9:128,345,349, plus strand): 5'-ATACCCACTGGACCTTCCGCCAGCTGGATGAGTACTCAAGCAGTGTAGCCAACTTCCTGC[A>T]GGCCCGGGGCCTGGCCTCGGGCGATGTGGCTGCCATCTTCATGGAGAACCGCAATGAGTT-3'
Protein context (NP_005085.2, residues 109-129): EYSSSVANFL[Gln119Leu]ARGLASGDVA

ClinVar aggregate classification (germline): Uncertain significance (1 of 4 stars; one submission).

Allele frequency attached by ClinVar (database versions not stated): ExAC 0.00006; ESP Exome Variant Server 0.00008; gnomAD 0.00009; TOPMed 0.00012; gnomAD exomes 0.00030.
gnomAD v4.1: 441 of 1,613,714 alleles (0.027%); highest among the groups gnomAD compares: Non-Finnish European, 0.036%; no homozygotes.

Submission:

Labcorp Genetics (formerly Invitae), Labcorp
Classification: Uncertain significance. Last evaluated: 2022-06-04. Review status: criteria provided, single submitter. Criteria: Invitae Variant Classification Sherloc (09022015). Collection method: clinical testing. Allele origin: germline.
Comment: This sequence change replaces glutamine, which is neutral and polar, with leucine, which is neutral and non-polar, at codon 119 of the SLC27A4 protein (p.Gln119Leu). This variant is present in population databases (rs146902785, gnomAD 0.01%). This variant has not been reported in the literature in individuals affected with SLC27A4-related conditions. Algorithms developed to predict the effect of missense changes on protein structure and function (SIFT, PolyPhen-2, Align-GVGD) all suggest that this variant is likely to be tolerated. In summary, the available evidence is currently insufficient to determine the role of this variant in disease. Therefore, it has been classified as a Variant of Uncertain Significance.